The following is an entry in ClinVar:

NM_201384.3(PLEC):c.1153C>T (p.Arg385Cys)

Gene: PLEC (plectin; minus strand). Cytogenetic location: 8q24.3.
Variant type: single nucleotide variant.
Coding change: c.1153C>T on transcript NM_201384.3 (MANE Select); coding-DNA position 1153, C replaced by T.
Protein change: p.Arg385Cys; replaces arginine 385 with cysteine.
Molecular consequence: missense variant.
Genome position (GRCh38, 1-based): chr8:143,934,334, G>A on the plus strand (C>T on the coding strand, the complement: PLEC is on the minus strand). VCF-style: chr8-143934334-G-A. GRCh37 (hg19) VCF-style: chr8-145008502-G-A.
Other names: c.1234C>T, p.Arg412Cys (NM_000445.5); c.1111C>T, p.Arg371Cys (NM_201378.4); c.1087C>T, p.Arg363Cys (NM_201379.3); c.1564C>T, p.Arg522Cys (NM_201380.4); c.1057C>T, p.Arg353Cys (NM_201381.3); c.1153C>T, p.Arg385Cys (NM_201382.4); c.1165C>T, p.Arg389Cys (NM_201383.3); c.1234C>T (NM_000445.3); short protein forms R363C, R385C, R353C, R522C, R371C, R389C, R412C.
Identifiers: ClinVar variation 538957 (VCV000538957.15), dbSNP rs782439302, ClinGen allele CA4928158.
Genomic context (GRCh38, chr8:143,934,334, plus strand): 5'-CACACCCTCGGGTGGTTCCCCTGCCACCACAGGGCCCCACCCACCTCTCAAACTCGCTGC[G>A]GAGCTGCTTCTCCCGCTCCAGGATGGCCACGTGCAGCTTGCCCCACTCCTTCTCCACATC-3'
Protein context (NP_958786.1, residues 375-395): VAILEREKQL[Arg385Cys]SEFERLECLQ

ClinVar aggregate classification (germline): Uncertain significance. Review status: criteria provided, multiple submitters, no conflicts (2 of 4 stars). 4 submissions from 4 submitters: Uncertain significance (3). 1 of the submissions does not count toward it. Last evaluated 2025-11-05.

Conditions:
Epidermolysis bullosa simplex, Ogna type (EBS5A). Also called: Pidermolysis bullosa simplex 5A, Ogna type; EPIDERMOLYSIS BULLOSA SIMPLEX 5A, OGNA TYPE. Identifiers: Orphanet 79401, MedGen C0432317, MONDO:0007555, OMIM 131950.
Autosomal recessive limb-girdle muscular dystrophy type 2Q (LGMDR17). Also called: MUSCULAR DYSTROPHY, LIMB-GIRDLE, AUTOSOMAL RECESSIVE 17. Identifiers: Orphanet 254361, MedGen C3150989, MONDO:0013390, OMIM 613723.
Epidermolysis bullosa simplex 5C, with pyloric atresia (EBS5C). Also called: PLEC-Related Epidermolysis Bullosa with Pyloric Atresia; Epidermolysis bullosa simplex with pyloric atresia; PLEC1-Related Epidermolysis Bullosa with Pyloric Atresia. Identifiers: Orphanet 158684, MedGen C2677349, MONDO:0012807, OMIM 612138.
Epidermolysis bullosa simplex 5B, with muscular dystrophy (EBS5B). Also called: EPIDERMOLYSIS BULLOSA SIMPLEX AND LIMB-GIRDLE MUSCULAR DYSTROPHY; Epidermolysis bullosa simplex with muscular dystrophy. Identifiers: Orphanet 257, MedGen C2931072, MONDO:0009181, OMIM 226670.
Epidermolysis bullosa simplex with nail dystrophy (EBS5D). Identifiers: MedGen C4225309, MONDO:0014661, OMIM 616487.
PLEC-related disorder. Also called: PLEC-related disorders; PLEC-related condition.
Inborn genetic diseases. Identifiers: MedGen C0950123, MeSH D030342.

Allele frequency attached by ClinVar (database versions not stated): TOPMed 0.00007; gnomAD 0.00009; ExAC 0.00001.
gnomAD v4.1: 125 of 1,612,228 alleles (0.0078%); highest among the groups gnomAD compares: Non-Finnish European, 0.009%; no homozygotes.

Submissions (4):

Labcorp Genetics (formerly Invitae), Labcorp
Classification: Uncertain significance for Autosomal recessive limb-girdle muscular dystrophy type 2Q; Epidermolysis bullosa simplex, Ogna type; Epidermolysis bullosa simplex with nail dystrophy; Epidermolysis bullosa simplex 5C, with pyloric atresia; Epidermolysis bullosa simplex 5B, with muscular dystrophy. Last evaluated: 2025-11-05. Review status: criteria provided, single submitter. Criteria: Invitae Variant Classification Sherloc (09022015). Collection method: clinical testing. Allele origin: germline.
Comment: This sequence change replaces arginine, which is basic and polar, with cysteine, which is neutral and slightly polar, at codon 412 of the PLEC protein (p.Arg412Cys). The frequency data for this variant in the population databases is considered unreliable, as metrics indicate poor data quality at this position in the gnomAD database. This variant has not been reported in the literature in individuals affected with PLEC-related conditions. ClinVar contains an entry for this variant (Variation ID: 538957). Invitae Evidence Modeling of protein sequence and biophysical properties (such as structural, functional, and spatial information, amino acid conservation, physicochemical variation, residue mobility, and thermodynamic stability) indicates that this missense variant is not expected to disrupt PLEC protein function with a negative predictive value of 80%. In summary, the available evidence is currently insufficient to determine the role of this variant in disease. Therefore, it has been classified as a Variant of Uncertain Significance.

Ambry Genetics
Classification: Uncertain significance for Inborn genetic diseases. Last evaluated: 2025-09-26. Review status: criteria provided, single submitter. Criteria: Ambry Variant Classification Scheme 2023. Collection method: clinical testing. Allele origin: germline.

Revvity Omics, Revvity
Classification: Uncertain significance. Last evaluated: 2021-09-30. Review status: criteria provided, single submitter. Criteria: ACMG Guidelines, 2015. Collection method: clinical testing. Allele origin: germline.

PreventionGenetics, part of Exact Sciences
Classification: Uncertain significance for PLEC-related condition. Last evaluated: 2024-01-08. Review status: no assertion criteria provided. Collection method: clinical testing. Allele origin: germline. Not counted in ClinVar's aggregate classification.
Comment: The PLEC c.1234C>T variant is predicted to result in the amino acid substitution p.Arg412Cys. To our knowledge, this variant has not been reported in the literature. This variant is reported in 0.0032% of alleles in individuals of European (Non-Finnish) descent in gnomAD. At this time, the clinical significance of this variant is uncertain due to the absence of conclusive functional and genetic evidence.